The following is an entry in ClinVar:

NM_001371928.1(AHDC1):c.4269G>C (p.Glu1423Asp)

Gene: AHDC1 (AT-hook DNA binding motif containing 1; minus strand). Cytogenetic location: 1p36.11.
Variant type: single nucleotide variant.
Coding change: c.4269G>C on transcript NM_001371928.1 (MANE Select); coding-DNA position 4269, G replaced by C.
Protein change: p.Glu1423Asp; replaces glutamic acid 1423 with aspartic acid.
Molecular consequence: missense variant.
Genome position (GRCh38, 1-based): chr1:27,547,847, C>G on the plus strand (G>C on the coding strand, the complement: AHDC1 is on the minus strand). VCF-style: chr1-27547847-C-G. GRCh37 (hg19) VCF-style: chr1-27874358-C-G.
Other names: c.4269G>C, p.Glu1423Asp (NM_001029882.3); c.225G>C, p.Glu75Asp (NM_015699.1); short protein forms E1423D, E75D.
Identifiers: ClinVar variation 2869443 (VCV002869443.3), dbSNP rs527518359, ClinGen allele CA715392.

ClinVar aggregate classification (germline): Uncertain significance (1 of 4 stars; one submission).

Allele frequency attached by ClinVar (database versions not stated): ExAC 0.00001; gnomAD 0.00001; 1000 Genomes Project 30x 0.00016; 1000 Genomes Project 0.00020.
gnomAD v4.1: 1 of 1,548,634 alleles (0.000065%); highest among the groups gnomAD compares: Admixed American, 0.0019%; no homozygotes.

Submission:

Labcorp Genetics (formerly Invitae), Labcorp
Classification: Uncertain significance. Last evaluated: 2023-04-29. Review status: criteria provided, single submitter. Criteria: Invitae Variant Classification Sherloc (09022015). Collection method: clinical testing. Allele origin: germline.
Comment: Algorithms developed to predict the effect of missense changes on protein structure and function output the following: SIFT: "Not Available"; PolyPhen-2: "Benign"; Align-GVGD: "Not Available". The aspartic acid amino acid residue is found in multiple mammalian species, which suggests that this missense change does not adversely affect protein function. This variant has not been reported in the literature in individuals affected with AHDC1-related conditions. This variant is present in population databases (rs527518359, gnomAD 0.004%). This sequence change replaces glutamic acid, which is acidic and polar, with aspartic acid, which is acidic and polar, at codon 1423 of the AHDC1 protein (p.Glu1423Asp). In summary, the available evidence is currently insufficient to determine the role of this variant in disease. Therefore, it has been classified as a Variant of Uncertain Significance.